The following is an entry in ClinVar:

ClinVar aggregate classification (germline): Benign (1 of 4 stars; one submission).

Allele frequency attached by ClinVar (database versions not stated): gnomAD exomes 0.15321; gnomAD 0.18738; 1000 Genomes Project 0.19828; 1000 Genomes Project 30x 0.20019; TOPMed 0.20139.
gnomAD v4.1: 248,070 of 1,581,458 alleles (16%); highest among the groups gnomAD compares: Admixed American, 38%; 22,014 homozygotes.

Submission:

Unidad de Genómica Garrahan, Hospital de Pediatría Garrahan
Classification: Benign. Last evaluated: 2024-01-24. Review status: criteria provided, single submitter. Criteria: ACMG Guidelines, 2015. Collection method: clinical testing. Allele origin: germline. Affected: no. Observed: 58 variant alleles.
Comment: This variant is classified as Benign based on local population frequency. This variant was detected in 61% of patients studied by a panel of primary immunodeficiencies. Number of patients: 58. Only high quality variants are reported.

NM_003177.7(SYK):c.1391+58C>T

Gene: SYK (spleen associated tyrosine kinase; plus strand). Cytogenetic location: 9q22.2.
Variant type: single nucleotide variant.
Coding change: c.1391+58C>T on transcript NM_003177.7 (MANE Select); 58 bases into the intron after coding-DNA position 1391, C replaced by T.
Molecular consequence: intron variant.
Genome position (GRCh38, 1-based): chr9:90,877,838, C>T. VCF-style: chr9-90877838-C-T. GRCh37 (hg19) VCF-style: chr9-93640120-C-T.
Other names: c.1322+58C>T (NM_001174168.3, NM_001135052.4); c.1391+58C>T (NM_001174167.3).
Identifiers: ClinVar variation 2688070 (VCV002688070.2), dbSNP rs2290886, ClinGen allele CA15590021.